The following is an entry in ClinVar:

ClinVar aggregate classification (germline): Uncertain significance (1 of 4 stars; one submission).

Conditions:
Alpha thalassemia-X-linked intellectual disability syndrome (ATRX). Also called: ALPHA-THALASSEMIA/MENTAL RETARDATION SYNDROME, X-LINKED; ATR, NONDELETION TYPE; ATR-X syndrome; Alpha thalassemia mental retardation syndrome, nondeletion type, X-linked; XLMR hypotonic face syndrome; X-linked alpha-thalassemia-mental retardation syndrome. Identifiers: Orphanet 847, MedGen C1845055, MONDO:0010519, OMIM 301040.

Submission:

Labcorp Genetics (formerly Invitae), Labcorp
Classification: Uncertain significance for Alpha thalassemia-X-linked intellectual disability syndrome. Last evaluated: 2023-11-13. Review status: criteria provided, single submitter. Criteria: Invitae Variant Classification Sherloc (09022015). Collection method: clinical testing. Allele origin: germline.
Comment: This sequence change replaces serine, which is neutral and polar, with glycine, which is neutral and non-polar, at codon 856 of the ATRX protein (p.Ser856Gly). This variant is not present in population databases (gnomAD no frequency). This variant has not been reported in the literature in individuals affected with ATRX-related conditions. Advanced modeling of protein sequence and biophysical properties (such as structural, functional, and spatial information, amino acid conservation, physicochemical variation, residue mobility, and thermodynamic stability) performed at Invitae indicates that this missense variant is not expected to disrupt ATRX protein function with a negative predictive value of 95%. In summary, the available evidence is currently insufficient to determine the role of this variant in disease. Therefore, it has been classified as a Variant of Uncertain Significance.

NM_000489.6(ATRX):c.2566A>G (p.Ser856Gly)

Gene: ATRX (ATRX chromatin remodeler; minus strand). Cytogenetic location: Xq21.1.
Variant type: single nucleotide variant.
Coding change: c.2566A>G on transcript NM_000489.6 (MANE Select); coding-DNA position 2566, A replaced by G.
Protein change: p.Ser856Gly; replaces serine 856 with glycine.
Molecular consequence: missense variant.
Genome position (GRCh38, 1-based): chrX:77,682,690, T>C on the plus strand (A>G on the coding strand, the complement: ATRX is on the minus strand). VCF-style: chrX-77682690-T-C. GRCh37 (hg19) VCF-style: chrX-76938182-T-C.
Other names: c.2452A>G, p.Ser818Gly (NM_138270.5); short protein forms S818G, S856G.
Identifiers: ClinVar variation 2693608 (VCV002693608.3), dbSNP rs2148594279, ClinGen allele CA413711681.